The following is an entry in ClinVar:

NR_146419.1(ANKRD20A4-ANKRD20A20P):n.1154A>G

Gene: ANKRD20A4-ANKRD20A20P (ANKRD20A4-ANKRD20A20P readthrough; plus strand). Cytogenetic location: 9q13.
Variant type: single nucleotide variant.
Molecular consequence: non-coding transcript variant (on NR_146419.1).
Genome position: GRCh38 VCF-style: chr9-64390765-A-G. GRCh37 (hg19) VCF-style: chr9-69403183-A-G.
Identifiers: ClinVar variation 2659231 (VCV002659231.23), dbSNP rs541911931, ClinGen allele CA5070236.
Genomic context (GRCh38, chr9:64,390,765, plus strand): 5'-TTTGCTCTCAAGCATTTTCCATGAACTGCGTGTGGATTCATTGCCTGCATCGGATGACAA[A>G]GACTTGAATGTTGCTACTAAGGTAAAGTGGTCTCTTGTAAAATTAATTTTCTCACTCTGA-3'

ClinVar aggregate classification (germline): Likely benign (1 of 4 stars; one submission).

Allele frequency attached by ClinVar (database versions not stated): 1000 Genomes Project 30x 0.00016; 1000 Genomes Project 0.00020; ExAC 0.00174.

Submission:

CeGaT Center for Human Genetics Tuebingen
Classification: Likely benign. Last evaluated: 2022-07-01. Review status: criteria provided, single submitter. Criteria: CeGaT Center For Human Genetics Tuebingen Variant Classification Criteria Version 2. Collection method: clinical testing. Allele origin: germline. Affected: yes. Observed: 1 variant allele.
Comment: ANKRD20A4P: BP4, BP7